The following is an entry in ClinVar:

NM_012418.4(FSCN2):c.1009G>A (p.Glu337Lys)

Gene: FSCN2 (fascin actin-bundling protein 2, retinal; plus strand). Cytogenetic location: 17q25.3.
Variant type: single nucleotide variant.
Coding change: c.1009G>A on transcript NM_012418.4 (MANE Select); coding-DNA position 1009, G replaced by A.
Protein change: p.Glu337Lys; replaces glutamic acid 337 with lysine.
Molecular consequence: missense variant.
Genome position (GRCh38, 1-based): chr17:81,536,171, G>A. VCF-style: chr17-81536171-G-A. GRCh37 (hg19) VCF-style: chr17-79503197-G-A.
Other names: c.1009G>A, p.Glu337Lys (NM_001077182.3); short protein forms E337K.
Identifiers: ClinVar variation 950798 (VCV000950798.9), dbSNP rs915562897, ClinGen allele CA295084748.

ClinVar aggregate classification (germline): Uncertain significance (1 of 4 stars; one submission).

Allele frequency attached by ClinVar (database versions not stated): TOPMed 0.00001; gnomAD 0.00003.
gnomAD v4.1: 6 of 1,606,106 alleles (0.00037%); highest among the groups gnomAD compares: African/African-American, 0.0053%; no homozygotes.

Submission:

Labcorp Genetics (formerly Invitae), Labcorp
Classification: Uncertain significance. Last evaluated: 2025-08-21. Review status: criteria provided, single submitter. Criteria: Invitae Variant Classification Sherloc (09022015). Collection method: clinical testing. Allele origin: germline.
Comment: This sequence change replaces glutamic acid, which is acidic and polar, with lysine, which is basic and polar, at codon 337 of the FSCN2 protein (p.Glu337Lys). This variant is present in population databases (no rsID available, gnomAD 0.02%). This variant has not been reported in the literature in individuals affected with FSCN2-related conditions. ClinVar contains an entry for this variant (Variation ID: 950798). An algorithm developed to predict the effect of missense changes on protein structure and function (PolyPhen-2) suggests that this variant is likely to be disruptive. In summary, the available evidence is currently insufficient to determine the role of this variant in disease. Therefore, it has been classified as a Variant of Uncertain Significance.